The following is an entry in ClinVar:

ClinVar aggregate classification (germline): Uncertain significance (1 of 4 stars; one submission).

Conditions:
Adenylosuccinate lyase deficiency (ADSLD). Also called: ADSL DEFICIENCY. Identifiers: Orphanet 46, MedGen C0268126, MONDO:0007068, OMIM 103050.

Allele frequency attached by ClinVar (database versions not stated): gnomAD exomes below 0.00001.
gnomAD v4.1: 1 of 1,614,132 alleles (0.000062%); highest among the groups gnomAD compares: African/African-American, 0.0013%; no homozygotes.

Submission:

Labcorp Genetics (formerly Invitae), Labcorp
Classification: Uncertain significance for Adenylosuccinate lyase deficiency. Last evaluated: 2022-06-15. Review status: criteria provided, single submitter. Criteria: Invitae Variant Classification Sherloc (09022015). Collection method: clinical testing. Allele origin: germline.
Comment: In summary, the available evidence is currently insufficient to determine the role of this variant in disease. Therefore, it has been classified as a Variant of Uncertain Significance. Algorithms developed to predict the effect of missense changes on protein structure and function output the following: SIFT: "Deleterious"; PolyPhen-2: "Benign"; Align-GVGD: "Class C0". The asparagine amino acid residue is found in multiple mammalian species, which suggests that this missense change does not adversely affect protein function. This variant has not been reported in the literature in individuals affected with ADSL-related conditions. This variant is not present in population databases (gnomAD no frequency). This sequence change replaces aspartic acid, which is acidic and polar, with asparagine, which is neutral and polar, at codon 59 of the ADSL protein (p.Asp59Asn).

NM_000026.4(ADSL):c.175G>A (p.Asp59Asn)

Gene: ADSL (adenylosuccinate lyase; plus strand). Cytogenetic location: 22q13.1.
Variant type: single nucleotide variant.
Coding change: c.175G>A on transcript NM_000026.4 (MANE Select); coding-DNA position 175, G replaced by A.
Protein change: p.Asp59Asn; replaces aspartic acid 59 with asparagine.
Molecular consequence: missense variant. On other transcripts: 5 prime UTR variant (1), non-coding transcript variant (1).
Genome position (GRCh38, 1-based): chr22:40,349,853, G>A. VCF-style: chr22-40349853-G-A. GRCh37 (hg19) VCF-style: chr22-40745857-G-A.
Other names: c.175G>A, p.Asp59Asn (NM_001123378.3, NM_001363840.3, NM_001410812.1 and 2 more transcripts); c.-18G>A (NM_001317923.2); short protein forms D59N.
Identifiers: ClinVar variation 2134986 (VCV002134986.4), dbSNP rs1880680031, ClinGen allele CA411634082.
Genomic context (GRCh38, chr22:40,349,853, plus strand): 5'-ACACTGAGACTATTTTATTTTATTTTGCCTATTCTGCAGACATTGGGTTTGCCTATCACA[G>A]ATGAACAAATCCAGGAGATGAAATCAAACCTGGAGAACATCGACTTCAAGATGGCAGCTG-3'
Protein context (NP_000017.1, residues 49-69): AEQTLGLPIT[Asp59Asn]EQIQEMKSNL